The following is an entry in ClinVar:

NM_000206.3(IL2RG):c.546_549del (p.Cys182fs)

Gene: IL2RG (interleukin 2 receptor subunit gamma; minus strand). Cytogenetic location: Xq13.1.
Variant type: Deletion.
Coding change: c.546_549del on transcript NM_000206.3 (MANE Select); coding-DNA positions 546 to 549, 4 bases deleted (TTTG; older notation c.546_549delTTTG).
Protein change: p.Cys182fs; shifts the reading frame from cysteine 182.
Molecular consequence: frameshift variant.
Genome position (GRCh38, 1-based): chrX:71,110,201-71,110,204, CAAA deleted on the plus strand (TTTG on the coding strand, the reverse complement: IL2RG is on the minus strand); deleting any 4 consecutive bases within chrX:71,110,201-71,110,206 gives the same sequence; the c. name uses the placement nearest the transcript's 3' end. VCF-style (leftmost placement, unchanged base first): chrX-71110200-CCAAA-C. GRCh37 (hg19) VCF-style: chrX-70330050-CCAAA-C.
Other names: short protein forms C182fs.
Identifiers: ClinVar variation 1356061 (VCV001356061.6), dbSNP rs2147749701, ClinGen allele CA2573159592.

ClinVar aggregate classification (germline): Pathogenic (1 of 4 stars; one submission).

Conditions:
X-linked severe combined immunodeficiency (SCIDX1). Also called: IMMUNODEFICIENCY 4; SCID, X-LINKED; SEVERE COMBINED IMMUNODEFICIENCY, X-LINKED, T CELL-NEGATIVE, B CELL-POSITIVE, NK CELL-NEGATIVE; T-B+ severe combined immunodeficiency due to gamma chain deficiency; X-Linked Combined Immunodeficiency Diseases. Identifiers: Orphanet 276, MedGen C6022468, MONDO:0010315, OMIM 300400. Disease mechanism: loss of function.

Submission:

Labcorp Genetics (formerly Invitae), Labcorp
Classification: Pathogenic for X-linked severe combined immunodeficiency. Last evaluated: 2024-02-26. Review status: criteria provided, single submitter. Criteria: Invitae Variant Classification Sherloc (09022015). Collection method: clinical testing. Allele origin: germline.
Comment: This sequence change creates a premature translational stop signal (p.Cys182Trpfs*90) in the IL2RG gene. It is expected to result in an absent or disrupted protein product. Loss-of-function variants in IL2RG are known to be pathogenic (PMID: 9058718, 10794430). This variant is not present in population databases (gnomAD no frequency). This variant has not been reported in the literature in individuals affected with IL2RG-related conditions. ClinVar contains an entry for this variant (Variation ID: 1356061). Algorithms developed to predict the effect of sequence changes on RNA splicing suggest that this variant may disrupt the consensus splice site. For these reasons, this variant has been classified as Pathogenic.

Literature cited by the submitters: PubMed 9058718; PubMed 10794430.